The following is an entry in ClinVar:

NM_014795.4(ZEB2):c.2869C>T (p.Arg957Trp)

Gene: ZEB2 (zinc finger E-box binding homeobox 2; minus strand). Cytogenetic location: 2q22.3.
Variant type: single nucleotide variant.
Coding change: c.2869C>T on transcript NM_014795.4 (MANE Select); coding-DNA position 2869, C replaced by T.
Protein change: p.Arg957Trp; replaces arginine 957 with tryptophan.
Molecular consequence: missense variant.
Genome position (GRCh38, 1-based): chr2:144,398,318, G>A on the plus strand (C>T on the coding strand, the complement: ZEB2 is on the minus strand). VCF-style: chr2-144398318-G-A. GRCh37 (hg19) VCF-style: chr2-145155885-G-A.
Other names: c.2797C>T, p.Arg933Trp (NM_001171653.2); short protein forms R957W, R933W.
Identifiers: ClinVar variation 466283 (VCV000466283.8), dbSNP rs1354236085, ClinGen allele CA348706546.

ClinVar aggregate classification (germline): Uncertain significance (1 of 4 stars; one submission).

Conditions:
Mowat-Wilson syndrome (MOWS). Also called: Classic Mowat-Wilson Syndrome. Identifiers: Orphanet 2152, MedGen C1856113, MONDO:0009341, OMIM 235730.

Allele frequency attached by ClinVar (database versions not stated): gnomAD exomes below 0.00001.
gnomAD v4.1: 2 of 1,613,516 alleles (0.00012%); highest among the groups gnomAD compares: East Asian, 0.0022%; no homozygotes.

Submission:

Labcorp Genetics (formerly Invitae), Labcorp
Classification: Uncertain significance for Mowat-Wilson syndrome. Last evaluated: 2023-08-04. Review status: criteria provided, single submitter. Criteria: Invitae Variant Classification Sherloc (09022015). Collection method: clinical testing. Allele origin: germline.
Comment: In summary, the available evidence is currently insufficient to determine the role of this variant in disease. Therefore, it has been classified as a Variant of Uncertain Significance. Advanced modeling performed at Invitae incorporating data from internal and/or published experimental studies (Invitae) indicates that this missense variant is not expected to disrupt ZEB2 function. ClinVar contains an entry for this variant (Variation ID: 466283). This variant has not been reported in the literature in individuals affected with ZEB2-related conditions. This variant is present in population databases (no rsID available, gnomAD 0.006%). This sequence change replaces arginine, which is basic and polar, with tryptophan, which is neutral and slightly polar, at codon 957 of the ZEB2 protein (p.Arg957Trp).